The following is an entry in ClinVar:

NM_000263.4(NAGLU):c.809del (p.His270fs)

Gene: NAGLU (N-acetyl-alpha-glucosaminidase; plus strand). Cytogenetic location: 17q21.2.
Variant type: Deletion.
Coding change: c.809del on transcript NM_000263.4 (MANE Select); coding-DNA position 809, one base deleted (A; older notation c.809delA).
Protein change: p.His270fs; shifts the reading frame from histidine 270.
Molecular consequence: frameshift variant.
Genome position (GRCh38, 1-based): chr17:42,540,994, A deleted. VCF-style (leftmost placement, unchanged base first): chr17-42540993-CA-C. GRCh37 (hg19) VCF-style: chr17-40693011-CA-C.
Other names: short protein forms H270fs.
Identifiers: ClinVar variation 553448 (VCV000553448.4), dbSNP rs1555622002, ClinGen allele CA658823953.
Genomic context (GRCh38, chr17:42,540,993, plus strand): 5'-CTTTTGCTCCCCACTAGGGTGTTCCCTCAGGTCAATGTCACGAAGATGGGCAGTTGGGGC[CA>C]CTTTAACTGTTCCTACTCCTGCTCCTTCCTTCTGGCTCCGGAAGACCCCATATTCCCCAT-3'

ClinVar aggregate classification (germline): Pathogenic. Review status: criteria provided, single submitter (1 of 4 stars). 2 submissions from 2 submitters: Pathogenic (1). 1 of the submissions does not count toward it. Last evaluated 2024-04-30.

Conditions:
Mucopolysaccharidosis, MPS-III-B (MPS3B). Also called: SANFILIPPO SYNDROME B; MPS III B; MUCOPOLYSACCHARIDOSIS, TYPE IIIB; Mucopolysaccharidosis type IIIB (Sanfilippo B); MPS IIIB (Sanfilippo Syndrome Type B); N-ACETYL-ALPHA-D-GLUCOSAMINIDASE DEFICIENCY. Identifiers: Orphanet 79270, MedGen C0086648, MONDO:0009656, OMIM 252920.
Charcot-Marie-Tooth disease axonal type 2V. Also called: CHARCOT-MARIE-TOOTH NEUROPATHY, TYPE 2V; CHARCOT-MARIE-TOOTH DISEASE, AXONAL, AUTOSOMAL DOMINANT, TYPE 2V. Identifiers: Orphanet 447964, MedGen C5569050, MONDO:0014665, OMIM 616491.

Allele frequency attached by ClinVar (database versions not stated): gnomAD exomes below 0.00001.

Submissions (2):

Labcorp Genetics (formerly Invitae), Labcorp
Classification: Pathogenic for Charcot-Marie-Tooth disease axonal type 2V; Mucopolysaccharidosis, MPS-III-B. Last evaluated: 2024-04-30. Review status: criteria provided, single submitter. Criteria: Invitae Variant Classification Sherloc (09022015). Collection method: clinical testing. Allele origin: germline.
Comment: This sequence change creates a premature translational stop signal (p.His270Profs*30) in the NAGLU gene. It is expected to result in an absent or disrupted protein product. Loss-of-function variants in NAGLU are known to be pathogenic (PMID: 9832037, 10094189, 16151907). This variant is not present in population databases (gnomAD no frequency). This variant has not been reported in the literature in individuals affected with NAGLU-related conditions. ClinVar contains an entry for this variant (Variation ID: 553448). For these reasons, this variant has been classified as Pathogenic.

Counsyl
Classification: Likely pathogenic for Mucopolysaccharidosis, MPS-III-B. Last evaluated: 2017-08-21. Review status: no assertion criteria provided. Collection method: clinical testing. Allele origin: unknown. Not counted in ClinVar's aggregate classification.

Literature cited by the submitters: PubMed 9832037 (cited by Labcorp Genetics (formerly Invitae), Labcorp); PubMed 10094189 (cited by Labcorp Genetics (formerly Invitae), Labcorp); PubMed 16151907 (cited by Labcorp Genetics (formerly Invitae), Labcorp).